The following is an entry in ClinVar:

ClinVar aggregate classification (germline): Uncertain significance (1 of 4 stars; one submission).

gnomAD v4.1: 1 of 1,574,884 alleles (0.000063%); highest among the groups gnomAD compares: Non-Finnish European, 0.000086%; no homozygotes.

Submission:

GeneDx
Classification: Uncertain significance. Last evaluated: 2024-11-03. Review status: criteria provided, single submitter. Criteria: GeneDx Variant Classification Process June 2021. Collection method: clinical testing. Allele origin: germline. Affected: yes.
Comment: Not observed at significant frequency in large population cohorts (gnomAD); In silico analysis indicates that this missense variant does not alter protein structure/function; Has not been previously published as pathogenic or benign to our knowledge

NM_000815.5(GABRD):c.1236G>T (p.Gln412His)

Gene: GABRD (gamma-aminobutyric acid type A receptor subunit delta; plus strand). Cytogenetic location: 1p36.33.
Variant type: single nucleotide variant.
Coding change: c.1236G>T on transcript NM_000815.5 (MANE Select); coding-DNA position 1236, G replaced by T.
Protein change: p.Gln412His; replaces glutamine 412 with histidine.
Molecular consequence: missense variant.
Genome position (GRCh38, 1-based): chr1:2,030,159, G>T. VCF-style: chr1-2030159-G-T. GRCh37 (hg19) VCF-style: chr1-1961598-G-T.
Other names: short protein forms Q412H.
Identifiers: ClinVar variation 3897391 (VCV003897391.1).